The following is an entry in ClinVar:

NM_000554.6(CRX):c.755C>T (p.Ser252Phe)

Gene: CRX (cone-rod homeobox; plus strand). Cytogenetic location: 19q13.33.
Variant type: single nucleotide variant.
Coding change: c.755C>T on transcript NM_000554.6 (MANE Select); coding-DNA position 755, C replaced by T.
Protein change: p.Ser252Phe; replaces serine 252 with phenylalanine.
Molecular consequence: missense variant.
Genome position (GRCh38, 1-based): chr19:47,839,822, C>T. VCF-style: chr19-47839822-C-T. GRCh37 (hg19) VCF-style: chr19-48343079-C-T.
Other names: short protein forms S252F.
Identifiers: ClinVar variation 2056454 (VCV002056454.5), dbSNP rs1968172763, ClinGen allele CA406631724.

ClinVar aggregate classification (germline): Uncertain significance. Review status: criteria provided, multiple submitters, no conflicts (2 of 4 stars). 2 submissions from 2 submitters: Uncertain significance (2). Last evaluated 2025-09-24.

Conditions:
Cone-rod dystrophy 2 (CORD2). Also called: CONE-ROD RETINAL DYSTROPHY; Cone-rod retinal dystrophy 2. Identifiers: Orphanet 1872, MedGen C3489532, MONDO:0007362, OMIM 120970.
Leber congenital amaurosis 7 (LCA7). Identifiers: Orphanet 65, MedGen C3151192, MONDO:0013449, OMIM 613829.

Allele frequency attached by ClinVar (database versions not stated): gnomAD exomes 0.00001; gnomAD 0.00002.
gnomAD v4.1: 8 of 1,614,032 alleles (0.0005%); highest among the groups gnomAD compares: Admixed American, 0.013%; no homozygotes.

Submissions (2):

Labcorp Genetics (formerly Invitae), Labcorp
Classification: Uncertain significance for Cone-rod dystrophy 2; Leber congenital amaurosis 7. Last evaluated: 2025-09-24. Review status: criteria provided, single submitter. Criteria: Invitae Variant Classification Sherloc (09022015). Collection method: clinical testing. Allele origin: germline.
Comment: This sequence change replaces serine, which is neutral and polar, with phenylalanine, which is neutral and non-polar, at codon 252 of the CRX protein (p.Ser252Phe). This variant is not present in population databases (gnomAD no frequency). This variant has not been reported in the literature in individuals affected with CRX-related conditions. ClinVar contains an entry for this variant (Variation ID: 2056454). Invitae Evidence Modeling of protein sequence and biophysical properties (such as structural, functional, and spatial information, amino acid conservation, physicochemical variation, residue mobility, and thermodynamic stability) has been performed for this missense variant. However, the output from this modeling did not meet the statistical confidence thresholds required to predict the impact of this variant on CRX protein function. In summary, the available evidence is currently insufficient to determine the role of this variant in disease. Therefore, it has been classified as a Variant of Uncertain Significance.

Blueprint Genetics
Classification: Uncertain significance. Last evaluated: 2022-08-22. Review status: criteria provided, single submitter. Criteria: ACMG Guidelines, 2015. Collection method: clinical testing. Allele origin: germline.